The following is an entry in ClinVar:

NM_000726.5(CACNB4):c.1553A>G (p.His518Arg)

Gene: CACNB4 (calcium voltage-gated channel auxiliary subunit beta 4; minus strand). Cytogenetic location: 2q23.3.
Variant type: single nucleotide variant.
Coding change: c.1553A>G on transcript NM_000726.5 (MANE Select); coding-DNA position 1553, A replaced by G.
Protein change: p.His518Arg; replaces histidine 518 with arginine.
Molecular consequence: missense variant.
Genome position (GRCh38, 1-based): chr2:151,839,129, T>C on the plus strand (A>G on the coding strand, the complement: CACNB4 is on the minus strand). VCF-style: chr2-151839129-T-C. GRCh37 (hg19) VCF-style: chr2-152695643-T-C.
Other names: c.1499A>G, p.His500Arg (NM_001005746.4); c.1451A>G, p.His484Arg (NM_001005747.4); c.1367A>G, p.His456Arg (NM_001145798.3); c.1412A>G, p.His471Arg (NM_001320722.3, NM_001330118.2); c.1310A>G, p.His437Arg (NM_001330113.2); c.899A>G, p.His300Arg (NM_001330114.2); c.1262A>G, p.His421Arg (NM_001330115.2); c.1223A>G, p.His408Arg (NM_001330116.2); and 1 more; short protein forms H518R, H300R, H408R, H332R, H500R, H437R, H456R, H421R.
Identifiers: ClinVar variation 411156 (VCV000411156.10), dbSNP rs377492950, ClinGen allele CA1912319.

ClinVar aggregate classification (germline): Uncertain significance. Review status: criteria provided, multiple submitters, no conflicts (2 of 4 stars). 2 submissions from 2 submitters: Uncertain significance (2). Last evaluated 2025-05-29.

Conditions:
Idiopathic generalized epilepsy. Also called: Generalised epilepsy; EIG. Identifiers: MedGen C0270850, MONDO:0005579, OMIM 600669.

Allele frequency attached by ClinVar (database versions not stated): gnomAD exomes 0.00001 and 0.00002; ExAC 0.00002; gnomAD 0.00004; TOPMed 0.00005; ESP Exome Variant Server 0.00008; 1000 Genomes Project 30x 0.00016; 1000 Genomes Project 0.00020.
gnomAD v4.1: 15 of 1,609,970 alleles (0.00093%); highest among the groups gnomAD compares: African/African-American, 0.013%; no homozygotes.

Submissions (2):

Athena Diagnostics
Classification: Uncertain significance. Last evaluated: 2025-05-29. Review status: criteria provided, single submitter. Criteria: Athena Diagnostics Criteria. Collection method: clinical testing. Allele origin: unknown.
Comment: Available data are insufficient to determine the clinical significance of the variant at this time. The frequency of this variant in the general population is higher than would generally be expected for pathogenic variants in this gene. Polyphen and MutationTaster yielded discordant predictions regarding whether this amino acid change is damaging to the protein.

Labcorp Genetics (formerly Invitae), Labcorp
Classification: Uncertain significance for Idiopathic generalized epilepsy. Last evaluated: 2016-06-21. Review status: criteria provided, single submitter. Criteria: Invitae Variant Classification Sherloc (09022015). Collection method: clinical testing. Allele origin: germline.
Comment: This sequence change replaces histidine with arginine at codon 518 of the CACNB4 protein (p.His518Arg). The histidine residue is moderately conserved and there is a small physicochemical difference between histidine and arginine. In summary, this variant is a rare missense change that is not predicted to affect protein function. There is no indication that it causes disease, but the available evidence is currently insufficient to prove that conclusively. Therefore, it has been classified as a Variant of Uncertain Significance. Algorithms developed to predict the effect of missense changes on protein structure and function (SIFT, PolyPhen-2, Align-GVGD) all suggest that this variant is likely to be tolerated, but these predictions have not been confirmed by published functional studies. This variant is present in population databases (rs377492950, ExAC 0.02%) but has not been reported in the literature in individuals with a CACNB4-related disease.